The following is an entry in ClinVar:

ClinVar aggregate classification (germline): Uncertain significance. Review status: criteria provided, multiple submitters, no conflicts (2 of 4 stars). 4 submissions from 4 submitters: Uncertain significance (4). Last evaluated 2025-10-18.

Conditions:
Cardiovascular phenotype. Identifiers: MedGen CN230736.

Allele frequency attached by ClinVar (database versions not stated): gnomAD exomes 0.00001; gnomAD 0.00009; TOPMed 0.00009; 1000 Genomes Project 30x 0.00016; 1000 Genomes Project 0.00020.
gnomAD v4.1: 22 of 1,549,746 alleles (0.0014%); highest among the groups gnomAD compares: African/African-American, 0.025%; no homozygotes.

Submissions (4):

Labcorp Genetics (formerly Invitae), Labcorp
Classification: Uncertain significance. Last evaluated: 2025-10-18. Review status: criteria provided, single submitter. Criteria: Invitae Variant Classification Sherloc (09022015). Collection method: clinical testing. Allele origin: germline.
Comment: This sequence change replaces methionine, which is neutral and non-polar, with valine, which is neutral and non-polar, at codon 2294 of the ZNF469 protein (p.Met2294Val). This variant is present in population databases (rs571086007, gnomAD 0.03%). This variant has not been reported in the literature in individuals affected with ZNF469-related conditions. ClinVar contains an entry for this variant (Variation ID: 1313987). An algorithm developed to predict the effect of missense changes on protein structure and function outputs the following: PolyPhen-2: "Benign". The valine amino acid residue is found in multiple mammalian species, which suggests that this missense change does not adversely affect protein function. In summary, the available evidence is currently insufficient to determine the role of this variant in disease. Therefore, it has been classified as a Variant of Uncertain Significance.

Women's Health and Genetics/Laboratory Corporation of America, LabCorp
Classification: Uncertain significance. Last evaluated: 2025-01-14. Review status: criteria provided, single submitter. Criteria: LabCorp Variant Classification Summary - May 2015. Collection method: clinical testing. Allele origin: germline.
Comment: Variant summary: ZNF469 c.6964A>G (p.Met2322Val) results in a conservative amino acid change in the encoded protein sequence. Three of three in-silico tools predict a benign effect of the variant on protein function. The variant allele was found at a frequency of 1.4e-05 in 1542842 control chromosomes (gnomAD v4.1). This frequency is not higher than estimated for a pathogenic variant in ZNF469 causing Brittle cornea syndrome 1, allowing no conclusion about variant significance. To our knowledge, no occurrence of c.6964A>G in individuals affected with Brittle cornea syndrome 1 and no experimental evidence demonstrating its impact on protein function have been reported. ClinVar contains an entry for this variant (Variation ID: 1313987). Based on the evidence outlined above, the variant was classified as uncertain significance.

Ambry Genetics
Classification: Uncertain significance for Cardiovascular phenotype. Last evaluated: 2023-12-03. Review status: criteria provided, single submitter. Criteria: Ambry Variant Classification Scheme 2023. Collection method: clinical testing. Allele origin: germline.
Comment: The p.M2294V variant (also known as c.6880A>G), located in coding exon 2 of the ZNF469 gene, results from an A to G substitution at nucleotide position 6880. The methionine at codon 2294 is replaced by valine, an amino acid with highly similar properties. This amino acid position is poorly conserved in available vertebrate species. In addition, this alteration is predicted to be tolerated by in silico analysis. Since supporting evidence is limited at this time, the clinical significance of this alteration remains unclear.

GeneDx
Classification: Uncertain significance. Last evaluated: 2021-01-11. Review status: criteria provided, single submitter. Criteria: GeneDx Variant Classification Process June 2021. Collection method: clinical testing. Allele origin: germline. Affected: yes.
Comment: Has not been previously published as pathogenic or benign to our knowledge; In silico analysis supports that this missense variant does not alter protein structure/function

NM_001367624.2(ZNF469):c.6964A>G (p.Met2322Val)

Gene: ZNF469 (zinc finger protein 469; plus strand). Cytogenetic location: 16q24.2.
Variant type: single nucleotide variant.
Coding change: c.6964A>G on transcript NM_001367624.2 (MANE Select); coding-DNA position 6964, A replaced by G.
Protein change: p.Met2322Val; replaces methionine 2322 with valine.
Molecular consequence: missense variant.
Genome position (GRCh38, 1-based): chr16:88,434,434, A>G. VCF-style: chr16-88434434-A-G. GRCh37 (hg19) VCF-style: chr16-88500842-A-G.
Other names: NM_001127464.1:c.6880A>G; short protein forms M2322V.
Identifiers: ClinVar variation 1313987 (VCV001313987.7), dbSNP rs571086007, ClinGen allele CA286382204.